The following is an entry in ClinVar:

ClinVar aggregate classification (germline): Likely benign. Review status: criteria provided, multiple submitters, no conflicts (2 of 4 stars). 4 submissions from 3 submitters: Likely benign (4). Last evaluated 2023-07-01.

Conditions:
Adult-onset proximal spinal muscular atrophy, autosomal dominant. Also called: Spinal muscular atrophy, late-onset, finkel type; FINKEL LATE-ADULT TYPE SMA. Identifiers: Orphanet 209335, MedGen C1854058, MONDO:0008453, OMIM 182980.
Amyotrophic lateral sclerosis type 8 (ALS8). Identifiers: Orphanet 803, MedGen C1837728, MONDO:0012077, OMIM 608627.

Allele frequency attached by ClinVar (database versions not stated): ExAC 0.00130; 1000 Genomes Project 0.00200; 1000 Genomes Project 30x 0.00234; gnomAD 0.00306; TOPMed 0.00343.
gnomAD v4.1: 1,594 of 454,064 alleles (0.35%); highest among the groups gnomAD compares: Admixed American, 0.54%; 6 homozygotes.

Submissions (4):

CeGaT Center for Human Genetics Tuebingen
Classification: Likely benign. Last evaluated: 2023-07-01. Review status: criteria provided, single submitter. Criteria: CeGaT Center For Human Genetics Tuebingen Variant Classification Criteria Version 2. Collection method: clinical testing. Allele origin: germline. Affected: yes. Observed: 3 variant alleles.
Comment: VAPB: BS2

Illumina Laboratory Services, Illumina
Classification: Likely benign for Adult-onset proximal spinal muscular atrophy, autosomal dominant. Last evaluated: 2018-01-13. Review status: criteria provided, single submitter. Criteria: ICSL Variant Classification Criteria 13 December 2019. Collection method: clinical testing. Allele origin: germline.
Comment: This variant was observed in the ICSL laboratory as part of a predisposition screen in an ostensibly healthy population. It had not been previously curated by ICSL or reported in the Human Gene Mutation Database (HGMD: prior to June 1st, 2018), and was therefore a candidate for classification through an automated scoring system. Utilizing variant allele frequency, disease prevalence and penetrance estimates, and inheritance mode, an automated score was calculated to assess if this variant is too frequent to cause the disease. Based on the score and internal cut-off values, a variant classified as likely benign is not then subjected to further curation. The score for this variant resulted in a classification of likely benign for this disease.

Illumina Laboratory Services, Illumina
Classification: Likely benign for Amyotrophic lateral sclerosis type 8. Last evaluated: 2018-01-13. Review status: criteria provided, single submitter. Criteria: ICSL Variant Classification Criteria 13 December 2019. Collection method: clinical testing. Allele origin: germline.
Comment: the same text as in the submission from Illumina Laboratory Services, Illumina above.

Breakthrough Genomics
Classification: Likely benign. Review status: criteria provided, single submitter. Criteria: ACMG Guidelines, 2015. Collection method: not provided. Allele origin: germline. Inheritance: Autosomal dominant inheritance. Affected: yes.

NM_004738.5(VAPB):c.*3118C>T

Gene: VAPB (VAMP associated protein B and C; plus strand). Cytogenetic location: 20q13.32.
Variant type: single nucleotide variant.
Coding change: c.*3118C>T on transcript NM_004738.5 (MANE Select); 3118 bases downstream of the stop codon, C replaced by T.
Molecular consequence: 3 prime UTR variant. On other transcripts: non-coding transcript variant (1).
Genome position (GRCh38, 1-based): chr20:58,447,353, C>T. VCF-style: chr20-58447353-C-T. GRCh37 (hg19) VCF-style: chr20-57022409-C-T.
Other names: c.*3188C>T (NM_001195677.2).
Identifiers: ClinVar variation 338968 (VCV000338968.36), dbSNP rs56310716, ClinGen allele CA9924523.